The following is an entry in ClinVar:

ClinVar aggregate classification (germline): Uncertain significance. Review status: criteria provided, multiple submitters, no conflicts (2 of 4 stars). 5 submissions from 5 submitters: Uncertain significance (4). 1 of the submissions does not count toward it. Last evaluated 2025-12-15.

Conditions:
Duchenne muscular dystrophy (DMD). Also called: MUSCULAR DYSTROPHY, PSEUDOHYPERTROPHIC PROGRESSIVE, DUCHENNE TYPE; Duchenne Muscular Dystrophy (DMD). Identifiers: Orphanet 98896, MedGen C0013264, MONDO:0010679, OMIM 310200.
Cardiovascular phenotype. Identifiers: MedGen CN230736.
Becker muscular dystrophy (BMD). Also called: MUSCULAR DYSTROPHY, PSEUDOHYPERTROPHIC PROGRESSIVE, BECKER TYPE; Becker Muscular Dystrophy (BMD). Identifiers: Orphanet 98895, MedGen C0917713, MONDO:0010311, OMIM 300376.
Cardiomyopathy (CMYO). Also called: Cardiomyopathies. Identifiers: Orphanet 167848, MedGen C0878544, MONDO:0004994, HP:0001638. Inheritance: Various modes of inheritance.
Dystrophin deficiency.

Allele frequency attached by ClinVar (database versions not stated): gnomAD exomes 0.00001; TOPMed 0.00001; gnomAD 0.00002.
gnomAD v4.1: 7 of 1,195,830 alleles (0.00059%); highest among the groups gnomAD compares: Non-Finnish European, 0.00079%; no homozygotes.

Submissions (5):

Ambry Genetics
Classification: Uncertain significance for Cardiovascular phenotype. Last evaluated: 2025-12-15. Review status: criteria provided, single submitter. Criteria: Ambry Variant Classification Scheme 2023. Collection method: clinical testing. Allele origin: germline.
Comment: The p.Q35P variant (also known as c.104A>C), located in coding exon 3 of the DMD gene, results from an A to C substitution at nucleotide position 104. The glutamine at codon 35 is replaced by proline, an amino acid with similar properties. This amino acid position is well conserved in available vertebrate species. In addition, the in silico prediction for this alteration is inconclusive. Based on data from gnomAD, the C allele has an overall frequency of 0.0010% (2/202152) total alleles studied, with no hemizygote(s) observed. The highest observed frequency was 0.0022% (2/91390) of European (non-Finnish) alleles. Based on the available evidence, the clinical significance of this variant remains unclear.

Labcorp Genetics (formerly Invitae), Labcorp
Classification: Uncertain significance for Duchenne muscular dystrophy. Last evaluated: 2024-05-04. Review status: criteria provided, single submitter. Criteria: Invitae Variant Classification Sherloc (09022015). Collection method: clinical testing. Allele origin: germline.
Comment: This sequence change replaces glutamine, which is neutral and polar, with proline, which is neutral and non-polar, at codon 35 of the DMD protein (p.Gln35Pro). This variant is present in population databases (no rsID available, gnomAD 0.002%). This variant has not been reported in the literature in individuals affected with DMD-related conditions. ClinVar contains an entry for this variant (Variation ID: 595909). Advanced modeling of protein sequence and biophysical properties (such as structural, functional, and spatial information, amino acid conservation, physicochemical variation, residue mobility, and thermodynamic stability) performed at Invitae indicates that this missense variant is not expected to disrupt DMD protein function with a negative predictive value of 95%. In summary, the available evidence is currently insufficient to determine the role of this variant in disease. Therefore, it has been classified as a Variant of Uncertain Significance.

CeGaT Center for Human Genetics Tuebingen
Classification: Uncertain significance. Last evaluated: 2023-10-01. Review status: criteria provided, single submitter. Criteria: CeGaT Center For Human Genetics Tuebingen Variant Classification Criteria Version 2. Collection method: clinical testing. Allele origin: germline. Affected: yes. Observed: 1 variant allele.

Eurofins Ntd Llc (ga)
Classification: Uncertain significance. Last evaluated: 2018-01-26. Review status: criteria provided, single submitter. Criteria: EGL Classification Definitions 2015. Collection method: clinical testing. Allele origin: germline. Observed: 1 variant allele, 1 heterozygote.

Natera, Inc.
Classification: Uncertain significance for Becker muscular dystrophy; Cardiomyopathy; Duchenne muscular dystrophy; Dystrophin deficiency. Last evaluated: 2019-01-02. Review status: no assertion criteria provided. Collection method: clinical testing. Allele origin: germline. Not counted in ClinVar's aggregate classification.

NM_004006.3(DMD):c.104A>C (p.Gln35Pro)

Gene: DMD (dystrophin; minus strand). Cytogenetic location: Xp21.1.
Variant type: single nucleotide variant.
Coding change: c.104A>C on transcript NM_004006.3 (MANE Select); coding-DNA position 104, A replaced by C.
Protein change: p.Gln35Pro; replaces glutamine 35 with proline.
Molecular consequence: missense variant. On other transcripts: 5 prime UTR variant (1).
Genome position (GRCh38, 1-based): chrX:32,849,810, T>G on the plus strand (A>C on the coding strand, the complement: DMD is on the minus strand). VCF-style: chrX-32849810-T-G. GRCh37 (hg19) VCF-style: chrX-32867927-T-G.
Other names: c.80A>C, p.Gln27Pro (NM_000109.4); c.92A>C, p.Gln31Pro (NM_004009.3); c.-266A>C (NM_004010.3); short protein forms Q35P, Q27P, Q31P.
Identifiers: ClinVar variation 595909 (VCV000595909.36), dbSNP rs1477107648, ClinGen allele CA412674986.
Genomic context (GRCh38, chrX:32,849,810, plus strand): 5'-TCGAGGAGGTCTAGGAGGCGCCTCCCATCCTGTAGGTCACTGAAGAGGTTCTCAATATGC[T>G]GCTTCCCAAACTGAAATTAAAAAAAATACACTCAATTTAACAAAGCACACTTCCAATGAT-3'
Protein context (NP_003997.2, residues 25-45): VNAQFSKFGK[Gln35Pro]HIENLFSDLQ